The following is an entry in ClinVar:

NM_018975.4(TERF2IP):c.1061A>G (p.Gln354Arg)

Gene: TERF2IP (TERF2 interacting protein; plus strand). Cytogenetic location: 16q23.1.
Variant type: single nucleotide variant.
Coding change: c.1061A>G on transcript NM_018975.4 (MANE Select); coding-DNA position 1061, A replaced by G.
Protein change: p.Gln354Arg; replaces glutamine 354 with arginine.
Molecular consequence: missense variant. On other transcripts: non-coding transcript variant (1).
Genome position (GRCh38, 1-based): chr16:75,656,472, A>G. VCF-style: chr16-75656472-A-G. GRCh37 (hg19) VCF-style: chr16-75690370-A-G.
Other names: short protein forms Q354R.
Identifiers: ClinVar variation 1780299 (VCV001780299.2), dbSNP rs767208960, ClinGen allele CA8178157.
Genomic context (GRCh38, chr16:75,656,472, plus strand): 5'-AGGCCTTCCTAAAAAATAGTGGTGAGCTGGAGGCTACTTCCGCCTTCTTAGCGTCTGGTC[A>G]GAGAGCTGATGGATATCCCATTTGGTCCCGACAAGATGACATAGATTTGCAAAAAGATGA-3'
Protein context (NP_061848.2, residues 344-364): EATSAFLASG[Gln354Arg]RADGYPIWSR

ClinVar aggregate classification (germline): Uncertain significance (1 of 4 stars; one submission).

gnomAD v4.1: 3 of 1,614,264 alleles (0.00019%); highest among the groups gnomAD compares: South Asian, 0.0011%; no homozygotes.

Submission:

Ambry Genetics
Classification: Uncertain significance. Last evaluated: 2024-02-28. Review status: criteria provided, single submitter. Criteria: Ambry Variant Classification Scheme 2023. Collection method: clinical testing. Allele origin: germline.
Comment: The p.Q354R variant (also known as c.1061A>G), located in coding exon 3 of the TERF2IP gene, results from an A to G substitution at nucleotide position 1061. The glutamine at codon 354 is replaced by arginine, an amino acid with highly similar properties. This amino acid position is conserved. In addition, this alteration is predicted to be tolerated by in silico analysis. Since supporting evidence is limited at this time, the clinical significance of this alteration remains unclear.